The following is an entry in ClinVar:

NM_023067.4(FOXL2):c.818C>A (p.Ser273Ter)

Gene: FOXL2 (forkhead box L2; minus strand). Cytogenetic location: 3q22.3.
Variant type: single nucleotide variant.
Coding change: c.818C>A on transcript NM_023067.4 (MANE Select); coding-DNA position 818, C replaced by A.
Protein change: p.Ser273Ter; replaces serine 273 with a stop codon.
Molecular consequence: nonsense.
Genome position (GRCh38, 1-based): chr3:138,945,905, G>T on the plus strand (C>A on the coding strand, the complement: FOXL2 is on the minus strand). VCF-style: chr3-138945905-G-T. GRCh37 (hg19) VCF-style: chr3-138664747-G-T.
Other names: short protein forms S273*.
Identifiers: ClinVar variation 634982 (VCV000634982.3), dbSNP rs1559921973, ClinGen allele CA354703254.

ClinVar aggregate classification (germline): Likely pathogenic. Review status: criteria provided, single submitter (1 of 4 stars). 2 submissions from 2 submitters: Likely pathogenic (1). 1 of the submissions does not count toward it. Last evaluated 2025-11-13.

Conditions:
Blepharophimosis, ptosis, and epicanthus inversus syndrome. Identifiers: Orphanet 126, MedGen C0220663, MONDO:0007201, OMIM 110100.

Submissions (2):

Dasa
Classification: Likely pathogenic. Last evaluated: 2025-11-13. Review status: criteria provided, single submitter. Criteria: DASA Assertion Criteria. Collection method: clinical testing. Allele origin: germline.
Comment: NM_023067.4(FOXL2):c.818C>A (p.Ser273*) is a nonsense variant in FOXL2 predicted to introduce a premature termination codon and is predicted to result in an absent or altered protein product. Loss of function is an established disease mechanism for FOXL2 (PMID: 28924383; PMID: 15962237; PMID: 20232352). Also, this variant is rare in population databases. Based on the currently available evidence, this variant is classified as likely pathogenic.

Wessex Regional Genetics Laboratory, Salisbury District Hospital
Classification: Pathogenic for Blepharophimosis, ptosis, and epicanthus inversus syndrome. Last evaluated: 2015-01-01. Review status: no assertion criteria provided. Criteria: ACMG Guidelines, 2015. Collection method: clinical testing. Allele origin: paternal. Inheritance: Autosomal dominant inheritance. Affected: yes. Not counted in ClinVar's aggregate classification.

Literature cited by the submitters: PubMed 28924383 (cited by Dasa); PubMed 15962237 (cited by Dasa); PubMed 20232352 (cited by Dasa).